The following is an entry in ClinVar:

NM_001130009.3(GEN1):c.1544C>T (p.Pro515Leu)

Gene: GEN1 (GEN1 Holliday junction 5' flap endonuclease; plus strand). Cytogenetic location: 2p24.2.
Variant type: single nucleotide variant.
Coding change: c.1544C>T on transcript NM_001130009.3 (MANE Select); coding-DNA position 1544, C replaced by T.
Protein change: p.Pro515Leu; replaces proline 515 with leucine.
Molecular consequence: missense variant.
Genome position (GRCh38, 1-based): chr2:17,780,756, C>T. VCF-style: chr2-17780756-C-T. GRCh37 (hg19) VCF-style: chr2-17962023-C-T.
Other names: c.1544C>T, p.Pro515Leu (NM_182625.5); short protein forms P515L.
Identifiers: ClinVar variation 3519736 (VCV003519736.1).

ClinVar aggregate classification (germline): Uncertain significance (1 of 4 stars; one submission).

gnomAD v4.1: 1 of 1,613,936 alleles (0.000062%); no homozygotes.

Submission:

Ambry Genetics
Classification: Uncertain significance. Last evaluated: 2024-11-23. Review status: criteria provided, single submitter. Criteria: Ambry Variant Classification Scheme 2023. Collection method: clinical testing. Allele origin: germline.
Comment: The p.P515L variant (also known as c.1544C>T), located in coding exon 13 of the GEN1 gene, results from a C to T substitution at nucleotide position 1544. The proline at codon 515 is replaced by leucine, an amino acid with similar properties. This amino acid position is conserved. In addition, this alteration is predicted to be tolerated by in silico analysis. Based on the available evidence, the clinical significance of this variant remains unclear.